The following is an entry in ClinVar:

ClinVar aggregate classification (germline): Uncertain significance (1 of 4 stars; one submission).

Conditions:
Hereditary nonpolyposis colorectal neoplasms. Identifiers: MedGen C0009405, MeSH D003123.

Submission:

Labcorp Genetics (formerly Invitae), Labcorp
Classification: Uncertain significance for Hereditary nonpolyposis colorectal neoplasms. Last evaluated: 2023-09-10. Review status: criteria provided, single submitter. Criteria: Invitae Variant Classification Sherloc (09022015). Collection method: clinical testing. Allele origin: germline.
Comment: In summary, the available evidence is currently insufficient to determine the role of this variant in disease. Therefore, it has been classified as a Variant of Uncertain Significance. Advanced modeling of protein sequence and biophysical properties (such as structural, functional, and spatial information, amino acid conservation, physicochemical variation, residue mobility, and thermodynamic stability) performed at Invitae indicates that this missense variant is not expected to disrupt MSH6 protein function. This variant has not been reported in the literature in individuals affected with MSH6-related conditions. This variant is not present in population databases (gnomAD no frequency). This sequence change replaces aspartic acid, which is acidic and polar, with glycine, which is neutral and non-polar, at codon 358 of the MSH6 protein (p.Asp358Gly).

NM_000179.3(MSH6):c.1073A>G (p.Asp358Gly)

Gene: MSH6 (mutS homolog 6; plus strand). Cytogenetic location: 2p16.3.
Variant type: single nucleotide variant.
Coding change: c.1073A>G on transcript NM_000179.3 (MANE Select); coding-DNA position 1073, A replaced by G.
Protein change: p.Asp358Gly; replaces aspartic acid 358 with glycine.
Molecular consequence: missense variant. On other transcripts: non-coding transcript variant (4), intron variant (1).
Genome position (GRCh38, 1-based): chr2:47,799,056, A>G. VCF-style: chr2-47799056-A-G. GRCh37 (hg19) VCF-style: chr2-48026195-A-G.
Other names: c.1073A>G, p.Asp358Gly (NM_001406800.1, NM_001406803.1, NM_001406808.1 and 4 more transcripts); c.776A>G, p.Asp259Gly (NM_001406801.1, NM_001406805.1, NM_001406820.1 and 10 more transcripts); c.1169A>G, p.Asp390Gly (NM_001406802.1, NM_001406795.1); c.995A>G, p.Asp332Gly (NM_001406804.1); c.548A>G, p.Asp183Gly (NM_001406806.1, NM_001406807.1, NM_001406799.1); c.167A>G, p.Asp56Gly (NM_001406823.1, NM_001406829.1, NM_001281493.2 and 6 more transcripts); c.905A>G, p.Asp302Gly (NM_001406826.1); c.683A>G, p.Asp228Gly (NM_001281492.2); and 2 more; short protein forms D228G, D390G, D259G, D360G, D332G, D358G, D183G, D302G.
Identifiers: ClinVar variation 2759996 (VCV002759996.3), dbSNP rs2104317833, ClinGen allele CA346741698.